The following is an entry in ClinVar:

NM_198994.3(TGM6):c.222C>G (p.Phe74Leu)

Gene: TGM6 (transglutaminase 6; plus strand). Cytogenetic location: 20p13.
Variant type: single nucleotide variant.
Coding change: c.222C>G on transcript NM_198994.3 (MANE Select); coding-DNA position 222, C replaced by G.
Protein change: p.Phe74Leu; replaces phenylalanine 74 with leucine.
Molecular consequence: missense variant.
Genome position (GRCh38, 1-based): chr20:2,395,234, C>G. VCF-style: chr20-2395234-C-G. GRCh37 (hg19) VCF-style: chr20-2375880-C-G.
Other names: c.222C>G, p.Phe74Leu (NM_001254734.2); short protein forms F74L.
Identifiers: ClinVar variation 4744355 (VCV004744355.1).

ClinVar aggregate classification (germline): Uncertain significance (1 of 4 stars; one submission).

gnomAD v4.1: 6 of 1,613,890 alleles (0.00037%); highest among the groups gnomAD compares: Non-Finnish European, 0.00051%; no homozygotes.

Submission:

Labcorp Genetics (formerly Invitae), Labcorp
Classification: Uncertain significance. Last evaluated: 2025-07-20. Review status: criteria provided, single submitter. Criteria: Invitae Variant Classification Sherloc (09022015). Collection method: clinical testing. Allele origin: germline.
Comment: This sequence change replaces phenylalanine, which is neutral and non-polar, with leucine, which is neutral and non-polar, at codon 74 of the TGM6 protein (p.Phe74Leu). This variant is present in population databases (no rsID available, gnomAD 0.002%). This variant has not been reported in the literature in individuals affected with TGM6-related conditions. Invitae Evidence Modeling of protein sequence and biophysical properties (such as structural, functional, and spatial information, amino acid conservation, physicochemical variation, residue mobility, and thermodynamic stability) indicates that this missense variant is not expected to disrupt TGM6 protein function with a negative predictive value of 80%. In summary, the available evidence is currently insufficient to determine the role of this variant in disease. Therefore, it has been classified as a Variant of Uncertain Significance.